The following is an entry in ClinVar:

NM_001253852.3(AP4B1):c.1576A>G (p.Ile526Val)

Genes: AP4B1 (adaptor related protein complex 4 subunit beta 1; minus strand), AP4B1-AS1 (AP4B1 antisense RNA 1; plus strand). Cytogenetic location: 1p13.2.
Variant type: single nucleotide variant.
Coding change: c.1576A>G on transcript NM_001253852.3 (MANE Select); coding-DNA position 1576, A replaced by G.
Protein change: p.Ile526Val; replaces isoleucine 526 with valine.
Molecular consequence: missense variant.
Genome position (GRCh38, 1-based): chr1:113,895,973, T>C on the plus strand (A>G on the coding strand, the complement: AP4B1 is on the minus strand). VCF-style: chr1-113895973-T-C. GRCh37 (hg19) VCF-style: chr1-114438595-T-C.
Other names: c.1576A>G (NM_006594.2); c.1279A>G, p.Ile427Val (NM_001253853.3); c.1072A>G, p.Ile358Val (NM_001308312.2); c.1576A>G, p.Ile526Val (NM_006594.5); short protein forms I427V, I526V, I358V.
Identifiers: ClinVar variation 2147476 (VCV002147476.5), dbSNP rs1292811669, ClinGen allele CA341709291.

ClinVar aggregate classification (germline): Uncertain significance. Review status: criteria provided, multiple submitters, no conflicts (2 of 4 stars). 2 submissions from 2 submitters: Uncertain significance (2). Last evaluated 2024-03-08.

Conditions:
Inborn genetic diseases. Identifiers: MedGen C0950123, MeSH D030342.
Hereditary spastic paraplegia 47. Also called: Spastic paraplegia 47, autosomal recessive; CEREBRAL PALSY, SPASTIC QUADRIPLEGIC, 5; adaptor protein 4 (AP-4) deficiency syndrome. Identifiers: Orphanet 280763, MedGen C3279738, MONDO:0013551, OMIM 614066.

Allele frequency attached by ClinVar (database versions not stated): gnomAD 0.00001; gnomAD exomes 0.00001; TOPMed 0.00001.
gnomAD v4.1: 18 of 1,614,096 alleles (0.0011%); highest among the groups gnomAD compares: Non-Finnish European, 0.0014%; no homozygotes.

Submissions (2):

Ambry Genetics
Classification: Uncertain significance for Inborn genetic diseases. Last evaluated: 2024-03-08. Review status: criteria provided, single submitter. Criteria: Ambry Variant Classification Scheme 2023. Collection method: clinical testing. Allele origin: germline.

Labcorp Genetics (formerly Invitae), Labcorp
Classification: Uncertain significance for Hereditary spastic paraplegia 47. Last evaluated: 2023-06-29. Review status: criteria provided, single submitter. Criteria: Invitae Variant Classification Sherloc (09022015). Collection method: clinical testing. Allele origin: germline.
Comment: In summary, the available evidence is currently insufficient to determine the role of this variant in disease. Therefore, it has been classified as a Variant of Uncertain Significance. Advanced modeling of protein sequence and biophysical properties (such as structural, functional, and spatial information, amino acid conservation, physicochemical variation, residue mobility, and thermodynamic stability) performed at Invitae indicates that this missense variant is not expected to disrupt AP4B1 protein function. ClinVar contains an entry for this variant (Variation ID: 2147476). This variant has not been reported in the literature in individuals affected with AP4B1-related conditions. This variant is present in population databases (no rsID available, gnomAD 0.0009%). This sequence change replaces isoleucine, which is neutral and non-polar, with valine, which is neutral and non-polar, at codon 526 of the AP4B1 protein (p.Ile526Val).